The following is an entry in ClinVar:

NM_080425.4(GNAS):c.253T>C (p.Phe85Leu)

Gene: GNAS (GNAS complex locus; plus strand). Cytogenetic location: 20q13.32.
Variant type: single nucleotide variant.
Coding change: c.253T>C on transcript NM_080425.4 (MANE Plus Clinical); coding-DNA position 253, T replaced by C.
Protein change: p.Phe85Leu; replaces phenylalanine 85 with leucine.
Molecular consequence: missense variant. On other transcripts: synonymous variant (2), intron variant (3).
Genome position (GRCh38, 1-based): chr20:58,853,518, T>C. VCF-style: chr20-58853518-T-C. GRCh37 (hg19) VCF-style: chr20-57428573-T-C.
Other names: c.66T>C, p.His22= (NM_001077490.3, NM_001309883.1); c.253T>C, p.Phe85Leu (NM_001410913.1); c.*42+12632T>C (NM_016592.5); c.43+12632T>C (NM_001410912.1); c.-39+11643T>C (NM_001309861.2); short protein forms F85L.
Identifiers: ClinVar variation 1034212 (VCV001034212.3), dbSNP rs747636634, ClinGen allele CA409454850.
Genomic context (GRCh38, chr20:58,853,518, plus strand): 5'-GGCGAGGCCTGTGGACCCCCAGAGGTCTCCAGACCCAACTTTCAGGTCCTCAACCCGGCA[T>C]TCAGGGAAGCTGGAGCCCATGGAAGCTACAGCCCACCTCCTGAGGAAGCAATGCCCTTCG-3'
Protein context (NP_536350.2, residues 75-95): RPNFQVLNPA[Phe85Leu]REAGAHGSYS

ClinVar aggregate classification (germline): Uncertain significance (1 of 4 stars; one submission).

Conditions:
Pseudopseudohypoparathyroidism (PPHP). Also called: Pseudopseudohypoparathyroidism (PPHP); ALBRIGHT HEREDITARY OSTEODYSTROPHY WITHOUT MULTIPLE HORMONE RESISTANCE. Identifiers: Orphanet 79445, MedGen C0033835, MONDO:0012912, OMIM 612463.

Allele frequency attached by ClinVar (database versions not stated): gnomAD exomes below 0.00001.
gnomAD v4.1: 1 of 1,613,278 alleles (0.000062%); highest among the groups gnomAD compares: Non-Finnish European, 0.000085%; no homozygotes.

Submission:

Baylor Genetics
Classification: Uncertain significance for Pseudopseudohypoparathyroidism. Last evaluated: 2018-07-12. Review status: criteria provided, single submitter. Criteria: ACMG Guidelines, 2015. Collection method: clinical testing. Allele origin: paternal. Affected: yes.
Comment: This variant was determined to be of uncertain significance according to ACMG Guidelines, 2015 [PMID:25741868].